The following is an entry in ClinVar:

ClinVar aggregate classification (germline): Likely pathogenic (1 of 4 stars; one submission).

Conditions:
Autosomal recessive limb-girdle muscular dystrophy type 2J (LGMDR10). Also called: Limb-girdle muscular dystrophy, type 2J; MUSCULAR DYSTROPHY, LIMB-GIRDLE, AUTOSOMAL RECESSIVE 10. Identifiers: Orphanet 140922, MedGen C1837342, MONDO:0012127, OMIM 608807.
Dilated cardiomyopathy 1G (CMD1G). Identifiers: Orphanet 154, MedGen C1858763, MONDO:0011400, OMIM 604145.

Submission:

Labcorp Genetics (formerly Invitae), Labcorp
Classification: Likely pathogenic for Dilated cardiomyopathy 1G; Autosomal recessive limb-girdle muscular dystrophy type 2J. Last evaluated: 2025-07-28. Review status: criteria provided, single submitter. Criteria: Invitae Variant Classification Sherloc (09022015). Collection method: clinical testing. Allele origin: germline.
Comment: This sequence change creates a premature translational stop signal (p.Ser26810Lysfs*9) in the TTN gene. While this is not anticipated to result in nonsense mediated decay, it is expected to create a truncated TTN protein. This variant is not present in population databases (gnomAD no frequency). This variant has not been reported in the literature in individuals affected with TTN-related conditions. This variant is located in the A band of TTN (PMID: 25589632). Truncating variants in this region are significantly overrepresented in patients affected with dilated cardiomyopathy (PMID: 25589632). Truncating variants in this region have also been reported in individuals affected with autosomal recessive centronuclear myopathy (PMID: 23975875). In summary, the currently available evidence indicates that the variant is pathogenic, but additional data are needed to prove that conclusively. Therefore, this variant has been classified as Likely Pathogenic.

Literature cited by the submitters: PubMed 25589632; PubMed 23975875.

NM_001267550.2(TTN):c.80428dup (p.Ser26810fs)

Genes: TTN-AS1 (TTN antisense RNA 1; plus strand), TTN (titin; minus strand). Cytogenetic location: 2q31.2.
Variant type: Duplication.
Coding change: c.80428dup on transcript NM_001267550.2 (MANE Select); coding-DNA position 80428, one base duplicated (A; older notation c.80428dupA).
Protein change: p.Ser26810fs; shifts the reading frame from serine 26810.
Molecular consequence: frameshift variant.
Genome position (GRCh38, 1-based): chr2:178,565,704, T duplicated on the plus strand (A on the coding strand, the reverse complement: TTN is on the minus strand). VCF-style (leftmost placement, unchanged base first): chr2-178565703-C-CT. GRCh37 (hg19) VCF-style: chr2-179430430-C-CT.
Other names: c.75505dup, p.Ser25169fs (NM_001256850.1); c.53233dup, p.Ser17745fs (NM_003319.4); c.72724dup, p.Ser24242fs (NM_133378.4); c.53608dup, p.Ser17870fs (NM_133432.3); c.53809dup, p.Ser17937fs (NM_133437.4); short protein forms S17745fs, S17937fs, S17870fs, S24242fs, S25169fs, S26810fs.
Identifiers: ClinVar variation 4785644 (VCV004785644.1).